The following is an entry in ClinVar:

ClinVar aggregate classification (germline): Uncertain significance (1 of 4 stars; one submission).

gnomAD v4.1: 9 of 1,600,830 alleles (0.00056%); highest among the groups gnomAD compares: South Asian, 0.0011%; no homozygotes.

Submission:

Ambry Genetics
Classification: Uncertain significance. Last evaluated: 2025-12-17. Review status: criteria provided, single submitter. Criteria: Ambry Variant Classification Scheme 2023. Collection method: clinical testing. Allele origin: germline.
Comment: The c.790G>A (p.E264K) alteration is located in exon 6 (coding exon 6) of the PRSS22 gene. This alteration results from a G to A substitution at nucleotide position 790, causing the glutamic acid (E) at amino acid position 264 to be replaced by a lysine (K). Based on data from gnomAD, the A allele has an overall frequency of <0.001% (1/226910) total alleles studied. The highest observed frequency was 0.003% (1/30366) of South Asian alleles. Based on insufficient or conflicting evidence, the clinical significance of this alteration remains unclear.

NM_022119.4(PRSS22):c.790G>A (p.Glu264Lys)

Gene: PRSS22 (serine protease 22; minus strand). Cytogenetic location: 16p13.3.
Variant type: single nucleotide variant.
Coding change: c.790G>A on transcript NM_022119.4 (MANE Select); coding-DNA position 790, G replaced by A.
Protein change: p.Glu264Lys; replaces glutamic acid 264 with lysine.
Molecular consequence: missense variant.
Genome position (GRCh38, 1-based): chr16:2,853,257, C>T on the plus strand (G>A on the coding strand, the complement: PRSS22 is on the minus strand). VCF-style: chr16-2853257-C-T. GRCh37 (hg19) VCF-style: chr16-2903258-C-T.
Other names: short protein forms E264K.
Identifiers: ClinVar variation 4831895 (VCV004831895.1).